The following is an entry in ClinVar:

ClinVar aggregate classification (germline): Uncertain significance (1 of 4 stars; one submission).

gnomAD v4.1: 174 of 1,613,820 alleles (0.011%); highest among the groups gnomAD compares: Non-Finnish European, 0.015%; 1 homozygote.

Submission:

Greenwood Genetic Center Diagnostic Laboratories, Greenwood Genetic Center
Classification: Uncertain significance. Last evaluated: 2024-08-09. Review status: criteria provided, single submitter. Criteria: ACMG Guidelines, 2015. Collection method: clinical testing. Allele origin: germline. Affected: yes.
Comment: BP4

NM_001014342.3(FLG2):c.5091A>T (p.Gly1697=)

Genes: FLG2 (filaggrin 2; minus strand), CCDST (cervical cancer associated DHX9 suppressive transcript; plus strand). Cytogenetic location: 1q21.3.
Variant type: single nucleotide variant.
Coding change: c.5091A>T on transcript NM_001014342.3 (MANE Select); coding-DNA position 5091, A replaced by T.
Protein change: p.Gly1697=; no amino-acid change (glycine 1697 retained).
Molecular consequence: synonymous variant.
Genome position (GRCh38, 1-based): chr1:152,352,695, T>A on the plus strand (A>T on the coding strand, the complement: FLG2 is on the minus strand). VCF-style: chr1-152352695-T-A. GRCh37 (hg19) VCF-style: chr1-152325171-T-A.
Identifiers: ClinVar variation 3765574 (VCV003765574.1).